The following is an entry in ClinVar:

NM_001029883.3(PCARE):c.485A>G (p.Gln162Arg)

Gene: PCARE (photoreceptor cilium actin regulator; minus strand). Cytogenetic location: 2p23.2.
Variant type: single nucleotide variant.
Coding change: c.485A>G on transcript NM_001029883.3 (MANE Select); coding-DNA position 485, A replaced by G.
Protein change: p.Gln162Arg; replaces glutamine 162 with arginine.
Molecular consequence: missense variant.
Genome position (GRCh38, 1-based): chr2:29,073,777, T>C on the plus strand (A>G on the coding strand, the complement: PCARE is on the minus strand). VCF-style: chr2-29073777-T-C. GRCh37 (hg19) VCF-style: chr2-29296643-T-C.
Other names: short protein forms Q162R.
Identifiers: ClinVar variation 2013192 (VCV002013192.4), dbSNP rs765081694, ClinGen allele CA1592641.

ClinVar aggregate classification (germline): Uncertain significance (1 of 4 stars; one submission).

Allele frequency attached by ClinVar (database versions not stated): ExAC 0.00001.
gnomAD v4.1: 3 of 1,614,214 alleles (0.00019%); highest among the groups gnomAD compares: South Asian, 0.0033%; no homozygotes.

Submission:

Labcorp Genetics (formerly Invitae), Labcorp
Classification: Uncertain significance. Last evaluated: 2021-11-28. Review status: criteria provided, single submitter. Criteria: Invitae Variant Classification Sherloc (09022015). Collection method: clinical testing. Allele origin: germline.
Comment: This variant has not been reported in the literature in individuals affected with PCARE-related conditions. In summary, the available evidence is currently insufficient to determine the role of this variant in disease. Therefore, it has been classified as a Variant of Uncertain Significance. Algorithms developed to predict the effect of missense changes on protein structure and function (SIFT, PolyPhen-2, Align-GVGD) all suggest that this variant is likely to be tolerated. This variant is present in population databases (rs765081694, gnomAD 0.003%). This sequence change replaces glutamine, which is neutral and polar, with arginine, which is basic and polar, at codon 162 of the PCARE protein (p.Gln162Arg).